The following is an entry in ClinVar:

NM_004813.4(PEX16):c.206T>G (p.Leu69Arg)

Gene: PEX16 (peroxisomal biogenesis factor 16; minus strand). Cytogenetic location: 11p11.2.
Variant type: single nucleotide variant.
Coding change: c.206T>G on transcript NM_004813.4 (MANE Select); coding-DNA position 206, T replaced by G.
Protein change: p.Leu69Arg; replaces leucine 69 with arginine.
Molecular consequence: missense variant.
Genome position (GRCh38, 1-based): chr11:45,916,246, A>C on the plus strand (T>G on the coding strand, the complement: PEX16 is on the minus strand). VCF-style: chr11-45916246-A-C. GRCh37 (hg19) VCF-style: chr11-45937797-A-C.
Other names: c.206T>G, p.Leu69Arg (NM_057174.3); short protein forms L69R.
Identifiers: ClinVar variation 934980 (VCV000934980.10), dbSNP rs761652611, ClinGen allele CA5960062.

ClinVar aggregate classification (germline): Uncertain significance (1 of 4 stars; one submission).

Conditions:
Peroxisome biogenesis disorder. Identifiers: Orphanet 79189, MedGen C1832200, MONDO:0019234. Disease mechanism: loss of function.

Allele frequency attached by ClinVar (database versions not stated): gnomAD exomes below 0.00001; ExAC 0.00001.

Submission:

Labcorp Genetics (formerly Invitae), Labcorp
Classification: Uncertain significance for Peroxisome biogenesis disorder. Last evaluated: 2022-07-19. Review status: criteria provided, single submitter. Criteria: Invitae Variant Classification Sherloc (09022015). Collection method: clinical testing. Allele origin: germline.
Comment: This variant has not been reported in the literature in individuals affected with PEX16-related conditions. In summary, the available evidence is currently insufficient to determine the role of this variant in disease. Therefore, it has been classified as a Variant of Uncertain Significance. Algorithms developed to predict the effect of missense changes on protein structure and function (SIFT, PolyPhen-2, Align-GVGD) all suggest that this variant is likely to be tolerated. ClinVar contains an entry for this variant (Variation ID: 934980). This variant is present in population databases (rs761652611, gnomAD 0.006%). This sequence change replaces leucine, which is neutral and non-polar, with arginine, which is basic and polar, at codon 69 of the PEX16 protein (p.Leu69Arg).